The following is an entry in ClinVar:

ClinVar aggregate classification (germline): Likely pathogenic. Review status: criteria provided, multiple submitters, no conflicts (2 of 4 stars). 2 submissions from 2 submitters: Likely pathogenic (2). Last evaluated 2022-09-23.

Conditions:
Hereditary cancer-predisposing syndrome. Also called: Hereditary neoplastic syndrome; Neoplastic Syndromes, Hereditary; Tumor predisposition; Hereditary Cancer Syndrome. Identifiers: Orphanet 140162, MedGen C0027672, MeSH D009386, MONDO:0015356.

Submissions (2):

Ambry Genetics
Classification: Likely pathogenic for Hereditary cancer-predisposing syndrome. Last evaluated: 2022-09-23. Review status: criteria provided, single submitter. Criteria: Ambry Variant Classification Scheme 2023. Collection method: clinical testing. Allele origin: germline.
Comment: The c.659+1delG intronic variant, located in intron 8 of the BAP1 gene, results from a deletion of one nucleotide within intron 8 of the BAP1 gene. This alteration has been observed in at least one individual with a personal and/or family history that is consistent with BAP1-related disease (Kaszuba MC et al. World Neurosurg, 2018 Jan;109:362-364).This variant is considered to be rare based on population cohorts in the Genome Aggregation Database (gnomAD). This nucleotide position is highly conserved in available vertebrate species. In silico splice site analysis predicts that this alteration will weaken the native splice donor site and will result in the creation or strengthening of a novel splice donor site. Alterations that disrupt the canonical splice site are expected to cause aberrant splicing, resulting in an abnormal protein or a transcript that is subject to nonsense-mediated mRNA decay. As such, this alteration is classified as likely pathogenic mutation.

GeneDx
Classification: Likely pathogenic. Last evaluated: 2019-12-11. Review status: criteria provided, single submitter. Criteria: GeneDx Variant Classification Process June 2021. Collection method: clinical testing. Allele origin: germline. Affected: yes.
Comment: Canonical splice site variant in a gene for which loss-of-function is a known mechanism of disease; Observed in an individual with a personal history of a malignant peripheral nerve sheath tumor, renal, and breast cancer (Kaszuba 2018); Not observed in large population cohorts (Lek 2016); This variant is associated with the following publications: (PMID: 29061454, 30517737)

Literature cited by the submitters: PubMed 29061454 (cited by Ambry Genetics).

NM_004656.4(BAP1):c.659+1del

Gene: BAP1 (BRCA1 associated deubiquitinase 1; minus strand). Cytogenetic location: 3p21.1.
Variant type: Deletion.
Coding change: c.659+1del on transcript NM_004656.4 (MANE Select); the canonical splice donor site of the intron after coding-DNA position 659, one base deleted (G; older notation c.659+1delG).
Molecular consequence: splice donor variant.
Genome position (GRCh38, 1-based): chr3:52,406,828, C deleted on the plus strand (G on the coding strand, the reverse complement: BAP1 is on the minus strand); the first of 3 consecutive C bases (chr3:52,406,828-52,406,830); deleting any one gives the same sequence. VCF-style (leftmost placement, unchanged base first): chr3-52406827-AC-A. GRCh37 (hg19) VCF-style: chr3-52440843-AC-A.
Other names: c.659+1del (NM_001410772.1).
Identifiers: ClinVar variation 422267 (VCV000422267.4), dbSNP rs1064795667, ClinGen allele CA16617999.